The following is an entry in ClinVar:

NM_000921.5(PDE3A):c.2671C>G (p.His891Asp)

Gene: PDE3A (phosphodiesterase 3A; plus strand). Cytogenetic location: 12p12.2.
Variant type: single nucleotide variant.
Coding change: c.2671C>G on transcript NM_000921.5 (MANE Select); coding-DNA position 2671, C replaced by G.
Protein change: p.His891Asp; replaces histidine 891 with aspartic acid.
Molecular consequence: missense variant.
Genome position (GRCh38, 1-based): chr12:20,648,793, C>G. VCF-style: chr12-20648793-C-G. GRCh37 (hg19) VCF-style: chr12-20801727-C-G.
Other names: c.1705C>G, p.His569Asp (NM_001244683.2, NM_001378409.1); c.2365C>G, p.His789Asp (NM_001378407.1); c.1708C>G, p.His570Asp (NM_001378408.1); short protein forms H569D, H789D, H570D, H891D.
Identifiers: ClinVar variation 5000398 (VCV005000398.1).

ClinVar aggregate classification (germline): Uncertain significance (1 of 4 stars; one submission).

Conditions:
PDE3A-related disorder. Also called: PDE3A-related condition.

gnomAD v4.1: 8 of 1,613,054 alleles (0.0005%); highest among the groups gnomAD compares: South Asian, 0.0044%; no homozygotes.

Submission:

PreventionGenetics, part of Exact Sciences
Classification: Uncertain significance for PDE3A-related condition. Last evaluated: 2024-11-20. Review status: criteria provided, single submitter. Criteria: ACMG Guidelines, 2015. Collection method: clinical testing. Allele origin: germline.
Comment: The PDE3A c.2671C>G variant is predicted to result in the amino acid substitution p.His891Asp. To our knowledge, this variant has not been reported in the literature. This variant is reported in 0.0033% of alleles in individuals of South Asian descent in gnomAD. At this time, the clinical significance of this variant is uncertain due to the absence of conclusive functional and genetic evidence.